The following is an entry in ClinVar:

NM_020338.4(ZMIZ1):c.496G>C (p.Val166Leu)

Gene: ZMIZ1 (zinc finger MIZ-type containing 1; plus strand). Cytogenetic location: 10q22.3.
Variant type: single nucleotide variant.
Coding change: c.496G>C on transcript NM_020338.4 (MANE Select); coding-DNA position 496, G replaced by C.
Protein change: p.Val166Leu; replaces valine 166 with leucine.
Molecular consequence: missense variant.
Genome position (GRCh38, 1-based): chr10:79,289,845, G>C. VCF-style: chr10-79289845-G-C. GRCh37 (hg19) VCF-style: chr10-81049602-G-C.
Other names: short protein forms V166L.
Identifiers: ClinVar variation 2015208 (VCV002015208.4), dbSNP rs2132023986, ClinGen allele CA377330770.

ClinVar aggregate classification (germline): Uncertain significance (1 of 4 stars; one submission).

gnomAD v4.1: 1 of 1,614,070 alleles (0.000062%); highest among the groups gnomAD compares: Non-Finnish European, 0.000085%; no homozygotes.

Submission:

Labcorp Genetics (formerly Invitae), Labcorp
Classification: Uncertain significance. Last evaluated: 2022-07-08. Review status: criteria provided, single submitter. Criteria: Invitae Variant Classification Sherloc (09022015). Collection method: clinical testing. Allele origin: germline.
Comment: In summary, the available evidence is currently insufficient to determine the role of this variant in disease. Therefore, it has been classified as a Variant of Uncertain Significance. This variant has not been reported in the literature in individuals affected with ZMIZ1-related conditions. Algorithms developed to predict the effect of missense changes on protein structure and function are either unavailable or do not agree on the potential impact of this missense change (SIFT: "Tolerated"; PolyPhen-2: "Probably Damaging"; Align-GVGD: "Class C0"). This sequence change replaces valine, which is neutral and non-polar, with leucine, which is neutral and non-polar, at codon 166 of the ZMIZ1 protein (p.Val166Leu). This variant is not present in population databases (gnomAD no frequency).